The following is an entry in ClinVar:

ClinVar aggregate classification (germline): Uncertain significance (1 of 4 stars; one submission).

Conditions:
Neurofibromatosis, type 2 (SWNV). Also called: BILATERAL ACOUSTIC NEUROFIBROMATOSIS; NF2-Related Schwannomatosis; SCHWANNOMATOSIS, VESTIBULAR. Identifiers: Orphanet 637, MedGen C0027832, MONDO:0007039, OMIM 101000. Disease mechanism: loss of function.

Submission:

Labcorp Genetics (formerly Invitae), Labcorp
Classification: Uncertain significance for Neurofibromatosis, type 2. Last evaluated: 2025-11-19. Review status: criteria provided, single submitter. Criteria: Invitae Variant Classification Sherloc (09022015). Collection method: clinical testing. Allele origin: germline.
Comment: This sequence change replaces glutamine, which is neutral and polar, with proline, which is neutral and non-polar, at codon 362 of the NF2 protein (p.Gln362Pro). This variant is not present in population databases (gnomAD no frequency). This variant has not been reported in the literature in individuals affected with NF2-related conditions. Invitae Evidence Modeling of protein sequence and biophysical properties (such as structural, functional, and spatial information, amino acid conservation, physicochemical variation, residue mobility, and thermodynamic stability) indicates that this missense variant is expected to disrupt NF2 protein function with a positive predictive value of 80%. In summary, the available evidence is currently insufficient to determine the role of this variant in disease. Therefore, it has been classified as a Variant of Uncertain Significance.

NM_000268.4(NF2):c.1085A>C (p.Gln362Pro)

Gene: NF2 (NF2, moesin-ezrin-radixin like (MERLIN) tumor suppressor; plus strand). Cytogenetic location: 22q12.2.
Variant type: single nucleotide variant.
Coding change: c.1085A>C on transcript NM_000268.4 (MANE Select); coding-DNA position 1085, A replaced by C.
Protein change: p.Gln362Pro; replaces glutamine 362 with proline.
Molecular consequence: missense variant. On other transcripts: intron variant (1).
Genome position (GRCh38, 1-based): chr22:29,671,911, A>C. VCF-style: chr22-29671911-A-C. GRCh37 (hg19) VCF-style: chr22-30067900-A-C.
Other names: c.971A>C, p.Gln324Pro (NM_001407053.1, NM_001407056.1); c.962A>C, p.Gln321Pro (NM_001407054.1, NM_001407058.1, NM_181829.3); c.959A>C, p.Gln320Pro (NM_001407055.1, NM_181828.3); c.950A>C, p.Gln317Pro (NM_001407057.1, NM_001407059.1); c.1085A>C, p.Gln362Pro (NM_001407060.1, NM_181832.3, NM_001407066.1 and 2 more transcripts); c.827A>C, p.Gln276Pro (NM_001407062.1); c.836A>C, p.Gln279Pro (NM_181830.3, NM_181831.3, NM_001407063.1 and 1 more transcripts); c.448-22841A>C (NM_181833.3); and 2 more; short protein forms Q279P, Q285P, Q317P, Q184P, Q276P, Q320P, Q324P, Q321P.
Identifiers: ClinVar variation 4745536 (VCV004745536.1).